The following is an entry in ClinVar:

ClinVar aggregate classification (germline): Uncertain significance (1 of 4 stars; one submission).

Allele frequency attached by ClinVar (database versions not stated): gnomAD exomes below 0.00001; TOPMed below 0.00001; ExAC 0.00001; gnomAD 0.00001.
gnomAD v4.1: 6 of 1,612,272 alleles (0.00037%); highest among the groups gnomAD compares: Non-Finnish European, 0.00051%; no homozygotes.

Submission:

Labcorp Genetics (formerly Invitae), Labcorp
Classification: Uncertain significance. Last evaluated: 2022-05-27. Review status: criteria provided, single submitter. Criteria: Invitae Variant Classification Sherloc (09022015). Collection method: clinical testing. Allele origin: germline.
Comment: This sequence change replaces phenylalanine, which is neutral and non-polar, with isoleucine, which is neutral and non-polar, at codon 837 of the SPEG protein (p.Phe837Ile). This variant is present in population databases (rs771649115, gnomAD 0.0009%). This variant has not been reported in the literature in individuals affected with SPEG-related conditions. Algorithms developed to predict the effect of missense changes on protein structure and function are either unavailable or do not agree on the potential impact of this missense change (SIFT: "Deleterious"; PolyPhen-2: "Possibly Damaging"; Align-GVGD: "Class C0"). In summary, the available evidence is currently insufficient to determine the role of this variant in disease. Therefore, it has been classified as a Variant of Uncertain Significance.

NM_005876.5(SPEG):c.2509T>A (p.Phe837Ile)

Gene: SPEG (striated muscle enriched protein kinase; plus strand). Cytogenetic location: 2q35.
Variant type: single nucleotide variant.
Coding change: c.2509T>A on transcript NM_005876.5 (MANE Select); coding-DNA position 2509, T replaced by A.
Protein change: p.Phe837Ile; replaces phenylalanine 837 with isoleucine.
Molecular consequence: missense variant. On other transcripts: 5 prime UTR variant (1).
Genome position (GRCh38, 1-based): chr2:219,461,950, T>A. VCF-style: chr2-219461950-T-A. GRCh37 (hg19) VCF-style: chr2-220326672-T-A.
Other names: c.-39T>A (NM_001173476.2); short protein forms F837I.
Identifiers: ClinVar variation 1942443 (VCV001942443.5), dbSNP rs771649115, ClinGen allele CA2125860.
Genomic context (GRCh38, chr2:219,461,950, plus strand): 5'-ACATCCCCTTTCAGCAGCCCCATCACCTCCGACGAGGAATACCTGAGCCCCCCAGAGGAG[T>A]TCCCAGAGCCTGGGGAGACCTGGCCGCGAACCCCCACCATGAAGCCCAGTCCCAGCCAGA-3'
Protein context (NP_005867.3, residues 827-847): DEEYLSPPEE[Phe837Ile]PEPGETWPRT